The following is an entry in ClinVar:

NM_014859.6(ARHGAP44):c.2049G>C (p.Pro683=)

Gene: ARHGAP44 (Rho GTPase activating protein 44; plus strand). Cytogenetic location: 17p12.
Variant type: single nucleotide variant.
Coding change: c.2049G>C on transcript NM_014859.6 (MANE Select); coding-DNA position 2049, G replaced by C.
Protein change: p.Pro683=; no amino-acid change (proline 683 retained).
Molecular consequence: synonymous variant. On other transcripts: non-coding transcript variant (1).
Genome position (GRCh38, 1-based): chr17:12,984,640, G>C. VCF-style: chr17-12984640-G-C. GRCh37 (hg19) VCF-style: chr17-12887957-G-C.
Other names: c.2031G>C, p.Pro677= (NM_001321164.2, NM_001321166.2); c.2049G>C, p.Pro683= (NM_001321167.2); c.1431G>C, p.Pro477= (NM_001321168.2).
Identifiers: ClinVar variation 3033390 (VCV003033390.2), dbSNP rs1490592862, ClinGen allele CA498006757.

ClinVar aggregate classification (germline): Likely benign (0 of 4 stars; one submission).

Conditions:
ARHGAP44-related disorder. Also called: ARHGAP44-related condition.

Submission:

PreventionGenetics, part of Exact Sciences
Classification: Likely benign for ARHGAP44-related condition. Last evaluated: 2022-06-07. Review status: no assertion criteria provided. Collection method: clinical testing. Allele origin: germline.
Comment: This variant is classified as likely benign based on ACMG/AMP sequence variant interpretation guidelines (Richards et al. 2015 PMID: 25741868, with internal and published modifications).